The following is an entry in ClinVar:

NM_001080510.5(METTL23):c.322+2dup

Gene: METTL23 (methyltransferase 23, arginine; plus strand). Cytogenetic location: 17q25.1.
Variant type: Duplication.
Coding change: c.322+2dup on transcript NM_001080510.5 (MANE Select); the canonical splice donor site of the intron after coding-DNA position 322, one base duplicated (T; older notation c.322+2dupT).
Molecular consequence: splice donor variant.
Genome position (GRCh38, 1-based): chr17:76,733,217, T duplicated. VCF-style (leftmost placement, unchanged base first): chr17-76733216-G-GT. GRCh37 (hg19) VCF-style: chr17-74729298-G-GT.
Other names: c.322+2dup (NM_001378349.1, NM_001378348.1, NM_001206983.3 and 2 more transcripts); c.310+2dup (NM_001378351.1, NM_001378353.1, NM_001378350.1 and 2 more transcripts); c.121+2dup (NM_001206987.3, NM_001206986.3, NM_001206985.3 and 2 more transcripts).
Identifiers: ClinVar variation 1805314 (VCV001805314.1), dbSNP rs1278342620, ClinGen allele CA627600253.

ClinVar aggregate classification (germline): Pathogenic (1 of 4 stars; one submission).

Conditions:
Intellectual developmental disorder, autosomal recessive 44. Also called: Intellectual disability, autosomal recessive 44. Identifiers: Orphanet 88616, MedGen C4014745, MONDO:0014409, OMIM 615942.

Allele frequency attached by ClinVar (database versions not stated): gnomAD exomes 0.00001; gnomAD 0.00001; TOPMed below 0.00001.

Submission:

Victorian Clinical Genetics Services, Murdoch Childrens Research Institute
Classification: Pathogenic for Intellectual developmental disorder, autosomal recessive 44. Last evaluated: 2022-02-02. Review status: criteria provided, single submitter. Criteria: ACMG Guidelines, 2015. Collection method: clinical testing. Allele origin: germline. Inheritance: Autosomal recessive inheritance.
Comment: Based on the classification scheme VCGS_Germline_v1.3.4, this variant is classified as Pathogenic. Following criteria are met: 0102 - Loss of function is a known mechanism of disease in this gene and is associated with METTL23-related intellectual disability (MIM#615942). (I) 0106 - This gene is associated with autosomal recessive disease. (I) 0209 - Splice site variant proven to affect splicing of the transcript with uncertain effect on protein sequence. Multiple alternative splicing outcomes were detected, with the resulting protein predicted to undergo nonsense-mediated decay, result in protein truncation and start-loss (Splicing Diagnostics, Kids Neuroscience Centre). (SP) 0251 - This variant is heterozygous. (I) 0304 - Variant is present in gnomAD (v2) <0.01 for a recessive condition (2 heterozygotes, 0 homozygotes). (SP) 0807 - This variant has no previous evidence of pathogenicity. (I) 0905 - No published segregation evidence has been identified for this variant. (I) 1007 - No published functional evidence has been identified for this variant. (I) 1102 - Strong phenotype match for this individual. (SP) 1201 - Heterozygous variant detected in trans with a second pathogenic heterozygous variant (p.(His57Valfs*11)) in a recessive disease. (I) Legend: (SP) - Supporting pathogenic, (I) - Information, (SB) - Supporting benign